The following is an entry in ClinVar:

ClinVar aggregate classification (germline): Uncertain significance (1 of 4 stars; one submission).

Conditions:
TTN-related disorder. Also called: TTN-related disorders; TTN-related condition; TTN-related disease.

Submission:

PreventionGenetics, part of Exact Sciences
Classification: Uncertain significance for TTN-related condition. Last evaluated: 2024-12-09. Review status: criteria provided, single submitter. Criteria: ACMG Guidelines, 2015. Collection method: clinical testing. Allele origin: germline.
Comment: The TTN c.38578A>G variant is predicted to result in the amino acid substitution p.Lys12860Glu. To our knowledge, this variant has not been reported in the literature or in a large population database (gnomAD), indicating this variant is rare. This variant falls within a highly paralogous region. Allele frequency data should be interpreted with caution. At this time, the clinical significance of this variant is uncertain due to the absence of conclusive functional and genetic evidence.

NM_001267550.2(TTN):c.38578A>G (p.Lys12860Glu)

Gene: TTN (titin; minus strand). Cytogenetic location: 2q31.2.
Variant type: single nucleotide variant.
Coding change: c.38578A>G on transcript NM_001267550.2 (MANE Select); coding-DNA position 38578, A replaced by G.
Protein change: p.Lys12860Glu; replaces lysine 12860 with glutamic acid.
Molecular consequence: missense variant. On other transcripts: intron variant (5).
Genome position (GRCh38, 1-based): chr2:178,653,669, T>C on the plus strand (A>G on the coding strand, the complement: TTN is on the minus strand). VCF-style: chr2-178653669-T-C. GRCh37 (hg19) VCF-style: chr2-179518396-T-C.
Other names: c.13283-11352A>G (NM_003319.4); c.13859-11352A>G (NM_133437.4); c.13658-11352A>G (NM_133432.3); c.31742-1128A>G (NM_133378.4); c.34523-1128A>G (NM_001256850.1); short protein forms K12860E.
Identifiers: ClinVar variation 4984116 (VCV004984116.1).
Genomic context (GRCh38, chr2:178,653,669, plus strand): 5'-GGTAAAAAATACCTGTGGCAGGTGGGGCTTCTGGTTTTGTGGGAGGAGCCTTAGGAACTT[T>C]CTTTTCTGGGACAACTTCTTGAGCTTCAGGCACTTGAAAGATATTAGTAGTTTTAGACTT-3'
Protein context (NP_001254479.2, residues 12850-12870): PEAQEVVPEK[Lys12860Glu]VPKAPPTKPE